The following is an entry in ClinVar:

NM_001385012.1(NBEA):c.6111T>C (p.Asn2037=)

Gene: NBEA (neurobeachin; plus strand). Cytogenetic location: 13q13.3.
Variant type: single nucleotide variant.
Coding change: c.6111T>C on transcript NM_001385012.1 (MANE Select); coding-DNA position 6111, T replaced by C.
Protein change: p.Asn2037=; no amino-acid change (asparagine 2037 retained).
Molecular consequence: synonymous variant.
Genome position (GRCh38, 1-based): chr13:35,352,255, T>C. VCF-style: chr13-35352255-T-C. GRCh37 (hg19) VCF-style: chr13-35926392-T-C.
Other names: c.6102T>C, p.Asn2034= (NM_001379245.1); c.6111T>C, p.Asn2037= (NM_015678.5).
Identifiers: ClinVar variation 3356755 (VCV003356755.1).

ClinVar aggregate classification (germline): Likely benign (0 of 4 stars; one submission).

Conditions:
NBEA-related disorder. Also called: NBEA-related condition.

gnomAD v4.1: 13 of 1,563,044 alleles (0.00083%); highest among the groups gnomAD compares: African/African-American, 0.018%; no homozygotes.

Submission:

PreventionGenetics, part of Exact Sciences
Classification: Likely benign for NBEA-related condition. Last evaluated: 2024-08-27. Review status: no assertion criteria provided. Collection method: clinical testing. Allele origin: germline.
Comment: This variant is classified as likely benign based on ACMG/AMP sequence variant interpretation guidelines (Richards et al. 2015 PMID: 25741868, with internal and published modifications).